The following is an entry in ClinVar:

ClinVar aggregate classification (germline): Pathogenic/Likely pathogenic. Review status: criteria provided, multiple submitters, no conflicts (2 of 4 stars). 4 submissions from 4 submitters: Pathogenic (2); Likely pathogenic (1). 1 of the submissions does not count toward it. Last evaluated 2024-06-06.

Conditions:
ATP7A-related disorder. Also called: ATP7A-related condition.
Menkes kinky-hair syndrome (MNK). Also called: Menkes Disease; Copper transport disease; Classic Menkes Disease. Identifiers: Orphanet 565, MedGen C0022716, MONDO:0010651, OMIM 309400.
Cutis laxa, X-linked (OHS). Also called: EDS IX; Occipital horn syndrome. Identifiers: Orphanet 198, MedGen C0268353, MONDO:0010572, OMIM 304150.
X-linked distal spinal muscular atrophy type 3. Also called: SPINAL MUSCULAR ATROPHY, DISTAL, X-LINKED RECESSIVE; NEURONOPATHY, DISTAL HEREDITARY MOTOR, X-LINKED; NEUROPATHY, DISTAL HEREDITARY MOTOR, X-LINKED; ATP7A-Related Distal Motor Neuropathy. Identifiers: Orphanet 139557, MedGen C1845359, MONDO:0010338, OMIM 300489.

Submissions (4):

Natera, Inc.
Classification: Likely pathogenic for Menkes kinky hair syndrome. Last evaluated: 2024-06-06. Review status: criteria provided, single submitter. Criteria: Natera Variant Classification Schema (03/2026). Collection method: clinical testing. Allele origin: germline.
Comment: The c.422_423del variant in ATP7A is a frameshift variant predicted to shift the reading frame beginning at codon 141 and leads to a stop codon 20 codons downstream. This variant is expected to result in nonsense mediated decay, truncation, or a dysfunctional protein product. This variant is rare in the general population with a frequency below the threshold expected for the associated phenotype(s). Given the available evidence, this variant is classified as Likely Pathogenic.

Labcorp Genetics (formerly Invitae), Labcorp
Classification: Pathogenic for X-linked distal spinal muscular atrophy type 3; Cutis laxa, X-linked; Menkes kinky-hair syndrome. Last evaluated: 2018-12-15. Review status: criteria provided, single submitter. Criteria: Invitae Variant Classification Sherloc (09022015). Collection method: clinical testing. Allele origin: germline.
Comment: This variant is not present in population databases (ExAC no frequency). This sequence change creates a premature translational stop signal (p.Glu141Alafs*20) in the ATP7A gene. It is expected to result in an absent or disrupted protein product. This variant has not been reported in the literature in individuals with ATP7A-related disease. For these reasons, this variant has been classified as Pathogenic. Loss-of-function variants in ATP7A are known to be pathogenic (PMID: 11241493, 20652413).

Genetic Services Laboratory, University of Chicago
Classification: Pathogenic for Menkes disease. Last evaluated: 2013-02-08. Review status: criteria provided, single submitter. Criteria: ACMG Guidelines, 2007. Collection method: clinical testing. Allele origin: germline. Affected: yes.

PreventionGenetics, part of Exact Sciences
Classification: Likely pathogenic for ATP7A-related condition. Last evaluated: 2024-07-12. Review status: no assertion criteria provided. Collection method: clinical testing. Allele origin: germline. Not counted in ClinVar's aggregate classification.
Comment: The ATP7A c.422_423delAG variant is predicted to result in a frameshift and premature protein termination (p.Glu141Alafs*20). To our knowledge, this variant has not been reported in the literature or in a large population database, indicating this variant is rare. Frameshift variants in ATP7A are expected to be pathogenic. This variant is interpreted as likely pathogenic.

Literature cited by the submitters: PubMed 11241493 (cited by Labcorp Genetics (formerly Invitae), Labcorp); PubMed 20652413 (cited by Labcorp Genetics (formerly Invitae), Labcorp).

NM_000052.7(ATP7A):c.422_423del (p.Glu141fs)

Gene: ATP7A (ATPase copper transporting alpha; plus strand). Cytogenetic location: Xq21.1.
Variant type: Microsatellite.
Coding change: c.422_423del on transcript NM_000052.7 (MANE Select); coding-DNA positions 422 to 423, 2 bases deleted (AG; older notation c.422_423delAG).
Protein change: p.Glu141fs; shifts the reading frame from glutamic acid 141.
Molecular consequence: frameshift variant.
Genome position (GRCh38, 1-based): chrX:77,988,543-77,988,544, AG deleted; deleting any 2 consecutive bases within chrX:77,988,541-77,988,544 gives the same sequence; the c. name uses the placement nearest the transcript's 3' end. VCF-style (leftmost placement, unchanged base first): chrX-77988540-AAG-A. GRCh37 (hg19) VCF-style: chrX-77244036-AAG-A.
Other names: c.422_423del, p.Glu141fs (NM_001282224.2); c.422_423delAG (NM_000052.6); c.422_423del (NM_000052.6); short protein forms E141fs.
Identifiers: ClinVar variation 210474 (VCV000210474.14), dbSNP rs797045397, ClinGen allele CA277418.